The following is an entry in ClinVar:

ClinVar aggregate classification (germline): Pathogenic/Likely pathogenic. Review status: criteria provided, multiple submitters, no conflicts (2 of 4 stars). 10 submissions from 10 submitters: Pathogenic (5); Likely pathogenic (4). 1 of the submissions does not count toward it. Last evaluated 2026-01-28.

Conditions:
EYS-related disorder. Also called: EYS-related condition.
Retinitis pigmentosa 25 (RP25). Identifiers: Orphanet 791, MedGen C1864446, MONDO:0011272, OMIM 602772.

Allele frequency attached by ClinVar (database versions not stated): gnomAD 0.00001; gnomAD exomes 0.00001 and 0.00004; TOPMed 0.00001.
gnomAD v4.1: 10 of 1,523,254 alleles (0.00066%); highest among the groups gnomAD compares: East Asian, 0.022%; no homozygotes.

Submissions (10):

Labcorp Genetics (formerly Invitae), Labcorp
Classification: Pathogenic. Last evaluated: 2026-01-28. Review status: criteria provided, single submitter. Criteria: Invitae Variant Classification Sherloc (09022015). Collection method: clinical testing. Allele origin: germline.
Comment: This sequence change falls in intron 26 of the EYS gene. It does not directly change the encoded amino acid sequence of the EYS protein. It affects a nucleotide within the consensus splice site. This variant is present in population databases (rs794727412, gnomAD 0.05%). This variant has been observed in individual(s) with retinitis pigmentosa (PMID: 29641573, 31960602, 32218477; internal data). In at least one individual the data is consistent with being in trans (on the opposite chromosome) from a pathogenic variant. It has also been observed to segregate with disease in related individuals. ClinVar contains an entry for this variant (Variation ID: 195939). Variants that disrupt the consensus splice site are a relatively common cause of aberrant splicing (PMID: 17576681, 9536098). Algorithms developed to predict the effect of sequence changes on RNA splicing suggest that this variant may disrupt the consensus splice site. For these reasons, this variant has been classified as Pathogenic.

3billion
Classification: Pathogenic for Retinitis pigmentosa 25. Last evaluated: 2026-01-07. Review status: criteria provided, single submitter. Criteria: ACMG Guidelines, 2015. Collection method: clinical testing. Allele origin: germline. Affected: yes.
Comment: The variant is observed at an extremely low frequency in the gnomAD v4.1.0 dataset (total allele frequency: <0.001%). Predicted Consequence/Location: Intron variant In silico tools predict the variant to alter splicing and produce an abnormal transcript [SpliceAI: 0.74 (>=0.2, moderate evidence for spliceogenicity)]. The variant has been reported to be in trans with a pathogenic variant as either compound heterozygous or homozygous in at least one similarly affected unrelated individual (PMID: 32218477). The variant has been reported to co-segregate with the disease in at least one similarly affected relative/individual in the same family or similarly affected unrelated families (PMID: 32218477). The variant has been reported at least twice as pathogenic with clinical assertions and evidence for the classification (ClinVar ID: VCV000195939 /PMID: 29641573 /3billion dataset). Therefore, this variant is classified as Pathogenic according to the recommendation of ACMG/AMP guideline.

Myriad Genetics, Inc.
Classification: Likely pathogenic for Retinitis pigmentosa 25. Last evaluated: 2025-02-11. Review status: criteria provided, single submitter. Criteria: Myriad Autosomal Dominant, Autosomal Recessive and X-Linked Classification Criteria (2023). Collection method: clinical testing. Allele origin: unknown.
Comment: NM_001142800.1(EYS):c.5644+5G>A is an intronic variant classified as likely pathogenic in the context of retinitis pigmentosa, EYS-related. c.5644+5G>A has been observed in cases with relevant disease (PMID: 32218477, 35816039, 34178978). Relevant functional assessments of this variant are not available in the literature. c.5644+5G>A has been observed in referenced population frequency databases. In summary, NM_001142800.1(EYS):c.5644+5G>A is an intronic variant that has been observed more frequently in cases with the relevant disease than in healthy populations. Please note: this variant was assessed in the context of healthy population screening.

SingHealth Duke-NUS Institute of Precision Medicine
Classification: Likely pathogenic for Retinitis pigmentosa 25. Last evaluated: 2025-02-05. Review status: criteria provided, single submitter. Criteria: PRISM ACMG Classification Criteria. Collection method: clinical testing. Allele origin: germline. Affected: yes.
Comment: Homozygous allele count in gnomAD exomes and genomes are less than 0(PM2). SpliceAI score is 0.74 for predicted splice donor loss (PP3_str). Cosegregation with disease phenotypes is observed in multiple families in multiple studies (PP1, PMID:34178978;32218477)

Natera, Inc.
Classification: Pathogenic for Retinitis pigmentosa type 25. Last evaluated: 2024-11-18. Review status: criteria provided, single submitter. Criteria: Natera Variant Classification Schema (03/2026). Collection method: clinical testing. Allele origin: germline.
Comment: The c.5644+5G>A variant in EYS is an intronic variant located outside the canonical splice sites. This variant is rare in the general population with a frequency below the threshold expected for the associated phenotype(s). This variant has been observed in one or more individuals affected with the associated recessive disease, as either homozygous or compound heterozygous with a second variant (PMID: 35816039). Additionally, this variant has been observed to segregate in affected family members (PMID: 32218477). Computational prediction algorithms indicate this variant is likely to affect gene or protein function. Given the available evidence, this variant is classified as Pathogenic.

Fulgent Genetics
Classification: Likely pathogenic for Retinitis pigmentosa 25. Last evaluated: 2024-04-01. Review status: criteria provided, single submitter. Criteria: ACMG Guidelines, 2015. Collection method: clinical testing. Allele origin: germline.

Baylor Genetics
Classification: Likely pathogenic for Retinitis pigmentosa 25. Last evaluated: 2024-03-18. Review status: criteria provided, single submitter. Criteria: ACMG Guidelines, 2015. Collection method: clinical testing. Allele origin: unknown.

GeneDx
Classification: Pathogenic. Last evaluated: 2023-12-13. Review status: criteria provided, single submitter. Criteria: GeneDx Variant Classification Process June 2021. Collection method: clinical testing. Allele origin: germline. Affected: yes.
Comment: Observed in an individual with retinitis pigmentosa in published literature, although this individual had additional variants in the PDE6B gene that may have also contributed to the phenotype (PMID: 29641573); Intronic variant directly or indirectly altering the +5 splice site in a gene for which loss of function is a known mechanism of disease, and splice predictors support a deleterious effect; This variant is associated with the following publications: (PMID: 31047384, 32037395, 36284460, 29641573, 33576794, 31960602, 32218477, 35816039)

Blueprint Genetics
Classification: Pathogenic for EYS-related disorders. Last evaluated: 2023-08-08. Review status: criteria provided, single submitter. Criteria: ACMG Guidelines, 2015. Collection method: clinical testing. Allele origin: germline. Affected: yes. Observed: 5 variant alleles.

Eurofins Ntd Llc (ga)
Classification: Uncertain significance. Last evaluated: 2016-12-29. Review status: flagged submission. Criteria: EGL Classification Definitions 2015. Collection method: clinical testing. Allele origin: germline. Observed: 2 variant alleles, 2 heterozygotes. Not counted in ClinVar's aggregate classification.
ClinVar note: Reason: Older and outlier claim with insufficient supporting evidence

Literature cited by the submitters: PubMed 29641573 (cited by Labcorp Genetics (formerly Invitae), Labcorp and 3billion); PubMed 31960602 (cited by Labcorp Genetics (formerly Invitae), Labcorp); PubMed 32218477 (cited by 5 submitters); PubMed 17576681 (cited by Labcorp Genetics (formerly Invitae), Labcorp); PubMed 9536098 (cited by Labcorp Genetics (formerly Invitae), Labcorp); PubMed 34178978 (cited by Myriad Genetics, Inc. and SingHealth Duke-NUS Institute of Precision Medicine); PubMed 35816039 (cited by Myriad Genetics, Inc. and Natera, Inc.).

NM_001142800.2(EYS):c.5644+5G>A

Gene: EYS (EGF-like photoreceptor maintenance factor; minus strand). Cytogenetic location: 6q12.
Variant type: single nucleotide variant.
Coding change: c.5644+5G>A on transcript NM_001142800.2 (MANE Select); 5 bases into the intron after coding-DNA position 5644, G replaced by A.
Molecular consequence: intron variant.
Genome position (GRCh38, 1-based): chr6:64,590,218, C>T on the plus strand (G>A on the coding strand, the complement: EYS is on the minus strand). VCF-style: chr6-64590218-C-T. GRCh37 (hg19) VCF-style: chr6-65300111-C-T.
Other names: c.5644+5G>A (NM_001292009.2).
Identifiers: ClinVar variation 195939 (VCV000195939.26), dbSNP rs794727412, ClinGen allele CA242647.
Genomic context (GRCh38, chr6:64,590,218, plus strand): 5'-CTTTCTTCTCTGTAGAAAAGAAACTCATTTCTAAAAGTTTACTGAACAGAAACTGAGAAA[C>T]TCACCAGAAATCATCAGCCGTTGAGGTGCCAGAATGGATTCCAGTGAAGACAAAGTAAGA-3'